The following is an entry in ClinVar:

ClinVar aggregate classification (germline): Uncertain significance (1 of 4 stars; one submission).

Conditions:
Developmental and epileptic encephalopathy, 11 (DEE11). Also called: Early infantile epileptic encephalopathy 11. Identifiers: Orphanet 1934, MedGen C3150987, MONDO:0013388, OMIM 613721.
Seizures, benign familial infantile, 3 (BFIS3). Also called: Familial neonatal seizures; CONVULSIONS, BENIGN FAMILIAL INFANTILE, 3. Identifiers: Orphanet 140927, Orphanet 306, MedGen C1843140, MONDO:0011904, OMIM 607745.

Allele frequency attached by ClinVar (database versions not stated): gnomAD exomes below 0.00001.
gnomAD v4.1: 1 of 1,614,154 alleles (0.000062%); highest among the groups gnomAD compares: Non-Finnish European, 0.000085%; no homozygotes.

Submission:

Labcorp Genetics (formerly Invitae), Labcorp
Classification: Uncertain significance for Seizures, benign familial infantile, 3; Developmental and epileptic encephalopathy, 11. Last evaluated: 2022-08-13. Review status: criteria provided, single submitter. Criteria: Invitae Variant Classification Sherloc (09022015). Collection method: clinical testing. Allele origin: germline.
Comment: This sequence change replaces leucine, which is neutral and non-polar, with serine, which is neutral and polar, at codon 1197 of the SCN2A protein (p.Leu1197Ser). This variant is present in population databases (no rsID available, gnomAD 0.0009%). This variant has not been reported in the literature in individuals affected with SCN2A-related conditions. Algorithms developed to predict the effect of missense changes on protein structure and function are either unavailable or do not agree on the potential impact of this missense change (SIFT: "Deleterious"; PolyPhen-2: "Probably Damaging"; Align-GVGD: "Class C0"). In summary, the available evidence is currently insufficient to determine the role of this variant in disease. Therefore, it has been classified as a Variant of Uncertain Significance.

NM_001040142.2(SCN2A):c.3590T>C (p.Leu1197Ser)

Gene: SCN2A (sodium voltage-gated channel alpha subunit 2; plus strand). Cytogenetic location: 2q24.3.
Variant type: single nucleotide variant.
Coding change: c.3590T>C on transcript NM_001040142.2 (MANE Select); coding-DNA position 3590, T replaced by C.
Protein change: p.Leu1197Ser; replaces leucine 1197 with serine.
Molecular consequence: missense variant.
Genome position (GRCh38, 1-based): chr2:165,367,286, T>C. VCF-style: chr2-165367286-T-C. GRCh37 (hg19) VCF-style: chr2-166223796-T-C.
Other names: c.3590T>C, p.Leu1197Ser (NM_001040143.2, NM_001371246.1, NM_001371247.1 and 1 more transcripts); short protein forms L1197S.
Identifiers: ClinVar variation 1995295 (VCV001995295.4), dbSNP rs1289544435, ClinGen allele CA349026009.